The following is an entry in ClinVar:

ClinVar aggregate classification (germline): Likely benign. Review status: criteria provided, single submitter (1 of 4 stars). 2 submissions from 2 submitters: Likely benign (1). 1 of the submissions does not count toward it. Last evaluated 2025-11-04.

Conditions:
PLXNA2-related disorder. Also called: PLXNA2-related condition.

Allele frequency attached by ClinVar (database versions not stated): 1000 Genomes Project 30x 0.00016.
gnomAD v4.1: 131 of 1,614,048 alleles (0.0081%); highest among the groups gnomAD compares: East Asian, 0.053%; no homozygotes.

Submissions (2):

Labcorp Genetics (formerly Invitae), Labcorp
Classification: Likely benign. Last evaluated: 2025-11-04. Review status: criteria provided, single submitter. Criteria: Invitae Variant Classification Sherloc (09022015). Collection method: clinical testing. Allele origin: germline.

PreventionGenetics, part of Exact Sciences
Classification: Likely benign for PLXNA2-related condition. Last evaluated: 2021-07-21. Review status: no assertion criteria provided. Collection method: clinical testing. Allele origin: germline. Not counted in ClinVar's aggregate classification.
Comment: This variant is classified as likely benign based on ACMG/AMP sequence variant interpretation guidelines (Richards et al. 2015 PMID: 25741868, with internal and published modifications).

NM_025179.4(PLXNA2):c.87C>A (p.Ala29=)

Gene: PLXNA2 (plexin A2; minus strand). Cytogenetic location: 1q32.2.
Variant type: single nucleotide variant.
Coding change: c.87C>A on transcript NM_025179.4 (MANE Select); coding-DNA position 87, C replaced by A.
Protein change: p.Ala29=; no amino-acid change (alanine 29 retained).
Molecular consequence: synonymous variant.
Genome position (GRCh38, 1-based): chr1:208,217,836, G>T on the plus strand (C>A on the coding strand, the complement: PLXNA2 is on the minus strand). VCF-style: chr1-208217836-G-T. GRCh37 (hg19) VCF-style: chr1-208391181-G-T.
Other names: c.87C>A (NM_025179.3).
Identifiers: ClinVar variation 1672792 (VCV001672792.10), dbSNP rs139744523, ClinGen allele CA1374137.